The following is an entry in ClinVar:

NM_001267550.2(TTN):c.68458G>C (p.Ala22820Pro)

Genes: TTN (titin; minus strand), TTN-AS1 (TTN antisense RNA 1; plus strand). Cytogenetic location: 2q31.2.
Variant type: single nucleotide variant.
Coding change: c.68458G>C on transcript NM_001267550.2 (MANE Select); coding-DNA position 68458, G replaced by C.
Protein change: p.Ala22820Pro; replaces alanine 22820 with proline.
Molecular consequence: missense variant.
Genome position (GRCh38, 1-based): chr2:178,578,057, C>G on the plus strand (G>C on the coding strand, the complement: TTN is on the minus strand). VCF-style: chr2-178578057-C-G. GRCh37 (hg19) VCF-style: chr2-179442784-C-G.
Other names: p.A21179P:GCA>CCA; p.Ala21179Pro; c.63535G>C, p.Ala21179Pro (NM_001256850.1); c.41263G>C, p.Ala13755Pro (NM_003319.4); c.60754G>C, p.Ala20252Pro (NM_133378.4); c.41638G>C, p.Ala13880Pro (NM_133432.3); c.41839G>C, p.Ala13947Pro (NM_133437.4); short protein forms A22820P, A20252P, A21179P, A13755P, A13947P, A13880P.
Identifiers: ClinVar variation 47268 (VCV000047268.83), dbSNP rs72646880, ClinGen allele CA140519.
Genomic context (GRCh38, chr2:178,578,057, plus strand): 5'-CCAGTGCCACAACAGGCTCTGATGGTAGGCTTGGCTTGCCCACACCTGCTAAATTGATTG[C>G]CATAACTCGGAATTCATATTCAAGACCTTCAGTTAATCCTGTCACTTTAAAGTCTCTCAT-3'
Protein context (NP_001254479.2, residues 22810-22830): EGLEYEFRVM[Ala22820Pro]INLAGVGKPS

ClinVar aggregate classification (germline): Conflicting classifications of pathogenicity. Review status: criteria provided, conflicting classifications (1 of 4 stars). 19 submissions from 15 submitters: Uncertain significance (3); Benign (3); Likely benign (12). 1 of the submissions does not count toward it. Last evaluated 2026-09-01.

Conditions:
TTN-related disorder. Also called: TTN-related disorders; TTN-related condition; TTN-related disease.
Cardiovascular phenotype. Identifiers: MedGen CN230736.
Autosomal recessive limb-girdle muscular dystrophy type 2J (LGMDR10). Also called: MUSCULAR DYSTROPHY, LIMB-GIRDLE, AUTOSOMAL RECESSIVE 10; Limb-girdle muscular dystrophy, type 2J. Identifiers: Orphanet 140922, MedGen C1837342, MONDO:0012127, OMIM 608807.
Dilated cardiomyopathy 1G (CMD1G). Identifiers: Orphanet 154, MedGen C1858763, MONDO:0011400, OMIM 604145.
Early-onset myopathy with fatal cardiomyopathy (CMYO5). Also called: CONGENITAL MYOPATHY 5 WITH CARDIOMYOPATHY; Salih Myopathy. Identifiers: Orphanet 289377, MedGen C2673677, MONDO:0012714, OMIM 611705. Disease mechanism: loss of function.
Hypertrophic cardiomyopathy 9. Also called: Familial hypertrophic cardiomyopathy 9. Identifiers: MedGen C1861065, MONDO:0013412, OMIM 613765.
Myopathy, myofibrillar, 9, with early respiratory failure (MFM9). Also called: Myopathy, distal, with early respiratory failure, autosomal dominant; Hereditary myopathy with early respiratory failure; EDSTROM MYOPATHY; MYOPATHY, PROXIMAL, WITH EARLY RESPIRATORY MUSCLE INVOLVEMENT. Identifiers: Orphanet 178464, Orphanet 34521, MedGen C1863599, MONDO:0011362, OMIM 603689.
Tibial muscular dystrophy (TMD). Also called: Tibial muscular dystrophy, tardive; Udd Distal Myopathy – Tibial Muscular Dystrophy; UDD MYOPATHY. Identifiers: Orphanet 609, MedGen C1838244, MONDO:0010870, OMIM 600334.
Cardiomyopathy (CMYO). Also called: Cardiomyopathies. Identifiers: Orphanet 167848, MedGen C0878544, MONDO:0004994, HP:0001638. Inheritance: Various modes of inheritance.
Hypertrophic cardiomyopathy. Also called: HYPERTROPHIC MYOCARDIOPATHY. Identifiers: Orphanet 217569, MedGen C0007194, MeSH D002312, MONDO:0005045, HP:0001639.

Allele frequency attached by ClinVar (database versions not stated): 1000 Genomes Project 0.00080; ExAC 0.00196; 1000 Genomes Project 30x 0.00078; gnomAD exomes 0.00191 and 0.00186; gnomAD 0.00151 and 0.00158; TOPMed 0.00153; ESP Exome Variant Server 0.00224.
gnomAD v4.1: 3,002 of 1,613,208 alleles (0.19%); highest among the groups gnomAD compares: Middle Eastern, 0.43%; 5 homozygotes.

Submissions (19):

CeGaT Center for Human Genetics Tuebingen
Classification: Likely benign. Last evaluated: 2026-09-01. Review status: criteria provided, single submitter. Criteria: CeGaT Center For Human Genetics Tuebingen Variant Classification Criteria Version 2. Collection method: clinical testing. Allele origin: germline. Affected: yes. Observed: 62 variant alleles.
Comment: TTN: PP3, BS2

Labcorp Genetics (formerly Invitae), Labcorp
Classification: Likely benign for Dilated cardiomyopathy 1G; Autosomal recessive limb-girdle muscular dystrophy type 2J. Last evaluated: 2026-02-03. Review status: criteria provided, single submitter. Criteria: Invitae Variant Classification Sherloc (09022015). Collection method: clinical testing. Allele origin: germline.

Mayo Clinic Laboratories, Mayo Clinic
Classification: Likely benign. Last evaluated: 2025-09-04. Review status: criteria provided, single submitter. Criteria: ACMG Guidelines, 2015. Collection method: clinical testing. Allele origin: germline. Observed: 4 variant alleles.
Comment: BS1, BP1, BP5, PP3_moderate

ARUP Laboratories, Molecular Genetics and Genomics, ARUP Laboratories
Classification: Likely benign. Last evaluated: 2025-06-02. Review status: criteria provided, single submitter. Criteria: ARUP Molecular Germline Variant Investigation Process 2024. Collection method: clinical testing. Allele origin: germline.

Molecular Diagnostic Laboratory for Inherited Cardiovascular Disease, Montreal Heart Institute
Classification: Likely benign. Last evaluated: 2025-04-09. Review status: criteria provided, single submitter. Criteria: ACMG Guidelines, 2015. Collection method: clinical testing. Allele origin: germline. Affected: no.

Blueprint Genetics
Classification: Likely benign. Last evaluated: 2024-11-15. Review status: criteria provided, single submitter. Criteria: ACMG Guidelines, 2015. Collection method: clinical testing. Allele origin: germline.

GeneDx
Classification: Likely benign. Last evaluated: 2020-10-06. Review status: criteria provided, single submitter. Criteria: GeneDx Variant Classification Process June 2021. Collection method: clinical testing. Allele origin: germline. Affected: yes.
Comment: This variant is associated with the following publications: (PMID: 25447171, 27930701)

CHEO Genetics Diagnostic Laboratory, Children's Hospital of Eastern Ontario
Classification: Benign for Cardiomyopathy. Last evaluated: 2020-05-08. Review status: criteria provided, single submitter. Criteria: ACMG Guidelines, 2015. Collection method: clinical testing. Allele origin: germline.

Women's Health and Genetics/Laboratory Corporation of America, LabCorp
Classification: Likely benign. Last evaluated: 2019-11-18. Review status: criteria provided, single submitter. Criteria: LabCorp Variant Classification Summary - May 2015. Collection method: clinical testing. Allele origin: germline.
Comment: Variant summary: TTN c.60754G>C (p.Ala20252Pro) results in a non-conservative amino acid change located in the A-band region of the encoded protein sequence. Five of five in-silico tools predict a damaging effect of the variant on protein function. The variant allele was found at a frequency of 0.0019 in 248062 control chromosomes in the gnomAD database, including 1 homozygote. The observed variant frequency is approximately 3-fold of the estimated maximal expected allele frequency for a pathogenic variant in TTN causing Cardiomyopathy phenotype (0.00063), strongly suggesting that the variant is benign. The variant c.60754G>C has also been reported in individuals affected with Cardiomyopathy, however without strong evidence for causality. Moreover, co-occurrences with other pathogenic variant(s) have been reported (e.g. PKP2 p.Arg413X, Campuzano_2019), providing supporting evidence for a benign role. To our knowledge, no experimental evidence demonstrating an impact on protein function has been reported. Five clinical diagnostic laboratories have submitted clinical-significance assessments for this variant to ClinVar after 2014 without evidence for independent evaluation, and classified the variant as Likely benign (4x) or VUS (1x). Based on the evidence outlined above, the variant was classified as likely benign.

Ambry Genetics
Classification: Likely benign for Cardiovascular phenotype. Last evaluated: 2018-07-26. Review status: criteria provided, single submitter. Criteria: Ambry Variant Classification Scheme 2023. Collection method: clinical testing. Allele origin: germline.

Illumina Laboratory Services, Illumina
Classification: Uncertain significance for Dilated cardiomyopathy 1G. Last evaluated: 2018-01-12. Review status: criteria provided, single submitter. Criteria: ICSL Variant Classification Criteria 13 December 2019. Collection method: clinical testing. Allele origin: germline.

Illumina Laboratory Services, Illumina
Classification: Benign for Myopathy, myofibrillar, 9, with early respiratory failure. Last evaluated: 2018-01-12. Review status: criteria provided, single submitter. Criteria: ICSL Variant Classification Criteria 13 December 2019. Collection method: clinical testing. Allele origin: germline.
Comment: This variant was observed in the ICSL laboratory as part of a predisposition screen in an ostensibly healthy population. It had not been previously curated by ICSL or reported in the Human Gene Mutation Database (HGMD: prior to June 1st, 2018), and was therefore a candidate for classification through an automated scoring system. Utilizing variant allele frequency, disease prevalence and penetrance estimates, and inheritance mode, an automated score was calculated to assess if this variant is too frequent to cause the disease. Based on the score and internal cut-off values, a variant classified as benign is not then subjected to further curation. The score for this variant resulted in a classification of benign for this disease.

Illumina Laboratory Services, Illumina
Classification: Uncertain significance for Early-onset myopathy with fatal cardiomyopathy. Last evaluated: 2018-01-12. Review status: criteria provided, single submitter. Criteria: ICSL Variant Classification Criteria 13 December 2019. Collection method: clinical testing. Allele origin: germline.

Illumina Laboratory Services, Illumina
Classification: Uncertain significance for Autosomal recessive limb-girdle muscular dystrophy type 2J. Last evaluated: 2018-01-12. Review status: criteria provided, single submitter. Criteria: ICSL Variant Classification Criteria 13 December 2019. Collection method: clinical testing. Allele origin: germline.

Illumina Laboratory Services, Illumina
Classification: Benign for Tibial muscular dystrophy. Last evaluated: 2018-01-12. Review status: criteria provided, single submitter. Criteria: ICSL Variant Classification Criteria 13 December 2019. Collection method: clinical testing. Allele origin: germline.
Comment: the same text as in the submission from Illumina Laboratory Services, Illumina above.

Laboratory for Molecular Medicine, Mass General Brigham Personalized Medicine
Classification: Likely benign. Last evaluated: 2015-10-30. Review status: criteria provided, single submitter. Criteria: LMM Criteria. Collection method: clinical testing. Allele origin: germline. Observed: 9 variant alleles.
Comment: p.Ala20252Pro in exon 271 of TTN: This variant is not expected to have clinical significance because it has been identified in 0.3% (179/66588) of European chro mosomes by the Exome Aggregation Consortium (ExAC, g; dbSNP rs72646880).

Eurofins Ntd Llc (ga)
Classification: Likely benign. Last evaluated: 2014-10-30. Review status: criteria provided, single submitter. Criteria: EGL Classification Definitions 2015. Collection method: clinical testing. Allele origin: germline. Observed: 1 variant allele, 1 heterozygote.

Genetics and Genomics Program, Sidra Medicine
Classification: Likely benign for Hypertrophic cardiomyopathy. Review status: criteria provided, single submitter. Criteria: ACMG Guidelines, 2015. Collection method: research. Allele origin: unknown. Affected: yes. Observed: 1 variant allele.

PreventionGenetics, part of Exact Sciences
Classification: Likely benign for TTN-related condition. Last evaluated: 2019-05-13. Review status: no assertion criteria provided. Collection method: clinical testing. Allele origin: germline. Not counted in ClinVar's aggregate classification.
Comment: This variant is classified as likely benign based on ACMG/AMP sequence variant interpretation guidelines (Richards et al. 2015 PMID: 25741868, with internal and published modifications).

Literature cited by the submitters: PubMed 25447171 (cited by Mayo Clinic Laboratories, Mayo Clinic); PubMed 26718681 (cited by Women's Health and Genetics/Laboratory Corporation of America, LabCorp); PubMed 23861362 (cited by Eurofins Ntd Llc (ga)).